The following is an entry in ClinVar:

NM_006364.4(SEC23A):c.1815C>G (p.His605Gln)

Gene: SEC23A (SEC23 homolog A, COPII coat complex component; minus strand). Cytogenetic location: 14q21.1.
Variant type: single nucleotide variant.
Coding change: c.1815C>G on transcript NM_006364.4 (MANE Select); coding-DNA position 1815, C replaced by G.
Protein change: p.His605Gln; replaces histidine 605 with glutamine.
Molecular consequence: missense variant.
Genome position (GRCh38, 1-based): chr14:39,045,247, G>C on the plus strand (C>G on the coding strand, the complement: SEC23A is on the minus strand). VCF-style: chr14-39045247-G-C. GRCh37 (hg19) VCF-style: chr14-39514451-G-C.
Other names: short protein forms H605Q.
Identifiers: ClinVar variation 1309242 (VCV001309242.2), dbSNP rs745505951, ClinGen allele CA389531851.

ClinVar aggregate classification (germline): Uncertain significance (1 of 4 stars; one submission).

Submission:

GeneDx
Classification: Uncertain significance. Last evaluated: 2019-10-22. Review status: criteria provided, single submitter. Criteria: GeneDx Variant Classification Process June 2021. Collection method: clinical testing. Allele origin: germline. Affected: yes.
Comment: Not observed in large population cohorts (Lek et al., 2016); In silico analysis, which includes protein predictors and evolutionary conservation, supports a deleterious effect; Has not been previously published as pathogenic or benign to our knowledge